The following is an entry in ClinVar:

ClinVar aggregate classification (germline): Benign (0 of 4 stars; one submission).

Conditions:
SHROOM4-related disorder. Also called: SHROOM4-related condition.

Allele frequency attached by ClinVar (database versions not stated): 1000 Genomes Project 30x 0.00104; 1000 Genomes Project 0.00106; gnomAD 0.00165; ESP Exome Variant Server 0.00170.
gnomAD v4.1: 390 of 1,209,962 alleles (0.032%); highest among the groups gnomAD compares: African/African-American, 0.58%; 1 homozygote.

Submission:

PreventionGenetics, part of Exact Sciences
Classification: Benign for SHROOM4-related condition. Last evaluated: 2019-09-19. Review status: no assertion criteria provided. Collection method: clinical testing. Allele origin: germline.
Comment: This variant is classified as benign based on ACMG/AMP sequence variant interpretation guidelines (Richards et al. 2015 PMID: 25741868, with internal and published modifications).

NM_020717.5(SHROOM4):c.1387C>A (p.Pro463Thr)

Gene: SHROOM4 (shroom family member 4; minus strand). Cytogenetic location: Xp11.22.
Variant type: single nucleotide variant.
Coding change: c.1387C>A on transcript NM_020717.5 (MANE Select); coding-DNA position 1387, C replaced by A.
Protein change: p.Pro463Thr; replaces proline 463 with threonine.
Molecular consequence: missense variant. On other transcripts: non-coding transcript variant (4).
Genome position (GRCh38, 1-based): chrX:50,634,686, G>T on the plus strand (C>A on the coding strand, the complement: SHROOM4 is on the minus strand). VCF-style: chrX-50634686-G-T. GRCh37 (hg19) VCF-style: chrX-50377686-G-T.
Other names: short protein forms P463T.
Identifiers: ClinVar variation 3040419 (VCV003040419.2), dbSNP rs147607307, ClinGen allele CA10416257.